The following is an entry in ClinVar:

NM_000489.6(ATRX):c.2265T>G (p.Asn755Lys)

Gene: ATRX (ATRX chromatin remodeler; minus strand). Cytogenetic location: Xq21.1.
Variant type: single nucleotide variant.
Coding change: c.2265T>G on transcript NM_000489.6 (MANE Select); coding-DNA position 2265, T replaced by G.
Protein change: p.Asn755Lys; replaces asparagine 755 with lysine.
Molecular consequence: missense variant.
Genome position (GRCh38, 1-based): chrX:77,682,991, A>C on the plus strand (T>G on the coding strand, the complement: ATRX is on the minus strand). VCF-style: chrX-77682991-A-C. GRCh37 (hg19) VCF-style: chrX-76938483-A-C.
Other names: c.2151T>G, p.Asn717Lys (NM_138270.5); short protein forms N717K, N755K.
Identifiers: ClinVar variation 1803321 (VCV001803321.4), dbSNP rs2519949779, ClinGen allele CA413712809.

ClinVar aggregate classification (germline): Uncertain significance. Review status: criteria provided, multiple submitters, no conflicts (2 of 4 stars). 2 submissions from 2 submitters: Uncertain significance (2). Last evaluated 2025-12-25.

Conditions:
Alpha thalassemia-X-linked intellectual disability syndrome (ATRX). Also called: ATR, NONDELETION TYPE; ATR-X syndrome; Alpha thalassemia mental retardation syndrome, nondeletion type, X-linked; XLMR hypotonic face syndrome; ALPHA-THALASSEMIA/MENTAL RETARDATION SYNDROME, X-LINKED; X-linked alpha-thalassemia-mental retardation syndrome. Identifiers: Orphanet 847, MedGen C1845055, MONDO:0010519, OMIM 301040.

Allele frequency attached by ClinVar (database versions not stated): gnomAD exomes 0.00001.
gnomAD v4.1: 4 of 1,210,837 alleles (0.00033%); highest among the groups gnomAD compares: Middle Eastern, 0.023%; no homozygotes.

Submissions (2):

Labcorp Genetics (formerly Invitae), Labcorp
Classification: Uncertain significance for Alpha thalassemia-X-linked intellectual disability syndrome. Last evaluated: 2025-12-25. Review status: criteria provided, single submitter. Criteria: Invitae Variant Classification Sherloc (09022015). Collection method: clinical testing. Allele origin: germline.
Comment: This sequence change replaces asparagine, which is neutral and polar, with lysine, which is basic and polar, at codon 755 of the ATRX protein (p.Asn755Lys). This variant is not present in population databases (gnomAD no frequency). This variant has not been reported in the literature in individuals affected with ATRX-related conditions. ClinVar contains an entry for this variant (Variation ID: 1803321). Invitae Evidence Modeling of protein sequence and biophysical properties (such as structural, functional, and spatial information, amino acid conservation, physicochemical variation, residue mobility, and thermodynamic stability) indicates that this missense variant is not expected to disrupt ATRX protein function with a negative predictive value of 95%. In summary, the available evidence is currently insufficient to determine the role of this variant in disease. Therefore, it has been classified as a Variant of Uncertain Significance.

GeneDx
Classification: Uncertain significance. Last evaluated: 2022-06-09. Review status: criteria provided, single submitter. Criteria: GeneDx Variant Classification Process June 2021. Collection method: clinical testing. Allele origin: germline. Affected: yes.
Comment: Not observed at significant frequency in large population cohorts (gnomAD); In silico analysis supports that this missense variant does not alter protein structure/function; Has not been previously published as pathogenic or benign to our knowledge